The following is an entry in ClinVar:

NM_213599.3(ANO5):c.2542T>C (p.Phe848Leu)

Gene: ANO5 (anoctamin 5; plus strand). Cytogenetic location: 11p14.3.
Variant type: single nucleotide variant.
Coding change: c.2542T>C on transcript NM_213599.3 (MANE Select); coding-DNA position 2542, T replaced by C.
Protein change: p.Phe848Leu; replaces phenylalanine 848 with leucine.
Molecular consequence: missense variant.
Genome position (GRCh38, 1-based): chr11:22,279,565, T>C. VCF-style: chr11-22279565-T-C. GRCh37 (hg19) VCF-style: chr11-22301111-T-C.
Other names: c.2539T>C, p.Phe847Leu (NM_001142649.2); c.2500T>C, p.Phe834Leu (NM_001410963.1); c.2497T>C, p.Phe833Leu (NM_001410964.1); short protein forms F834L, F833L, F847L, F848L.
Identifiers: ClinVar variation 2938687 (VCV002938687.3), dbSNP rs2494411832, ClinGen allele CA379924885.
Genomic context (GRCh38, chr11:22,279,565, plus strand): 5'-CTCTAACAGCGTCTAATCTTTCCTTTATATTTCCTCTAGCATGTTGTGTTTTTAGTTAAA[T>C]TTTTGCTGGCCTGGATGATACCTGATGTTCCAAAAGATGTTGTGGAGAGAATCAAGAGAG-3'
Protein context (NP_998764.1, residues 838-858): VMEHVVFLVK[Phe848Leu]LLAWMIPDVP

ClinVar aggregate classification (germline): Uncertain significance (1 of 4 stars; one submission).

Conditions:
Gnathodiaphyseal dysplasia (GDD). Also called: GNATHODIAPHYSEAL SCLEROSIS; OSTEOGENESIS IMPERFECTA WITH UNUSUAL SKELETAL LESIONS. Identifiers: Orphanet 53697, MedGen C1833736, MONDO:0008151, OMIM 166260.
Autosomal recessive limb-girdle muscular dystrophy type 2L (LGMDR12). Also called: Limb-girdle muscular dystrophy, type 2L; MUSCULAR DYSTROPHY, LIMB-GIRDLE, AUTOSOMAL RECESSIVE 12; Limb-Girdle Muscular Dystrophy R12 Anoctamin-5-Related (LGMD-R12). Identifiers: Orphanet 206549, MedGen C1969785, MONDO:0012652, OMIM 611307.

Submission:

Labcorp Genetics (formerly Invitae), Labcorp
Classification: Uncertain significance for Autosomal recessive limb-girdle muscular dystrophy type 2L; Gnathodiaphyseal dysplasia. Last evaluated: 2024-01-08. Review status: criteria provided, single submitter. Criteria: Invitae Variant Classification Sherloc (09022015). Collection method: clinical testing. Allele origin: germline.
Comment: This sequence change replaces phenylalanine, which is neutral and non-polar, with leucine, which is neutral and non-polar, at codon 848 of the ANO5 protein (p.Phe848Leu). This variant is not present in population databases (gnomAD no frequency). This variant has not been reported in the literature in individuals affected with ANO5-related conditions. Advanced modeling of protein sequence and biophysical properties (such as structural, functional, and spatial information, amino acid conservation, physicochemical variation, residue mobility, and thermodynamic stability) has been performed at Invitae for this missense variant, however the output from this modeling did not meet the statistical confidence thresholds required to predict the impact of this variant on ANO5 protein function. In summary, the available evidence is currently insufficient to determine the role of this variant in disease. Therefore, it has been classified as a Variant of Uncertain Significance.